The following is an entry in ClinVar:

ClinVar aggregate classification (germline): Uncertain significance (1 of 4 stars; one submission).

gnomAD v4.1: 2 of 1,551,538 alleles (0.00013%); highest among the groups gnomAD compares: Non-Finnish European, 0.00017%; no homozygotes.

Submission:

GeneDx
Classification: Uncertain significance. Last evaluated: 2024-07-09. Review status: criteria provided, single submitter. Criteria: GeneDx Variant Classification Process June 2021. Collection method: clinical testing. Allele origin: germline. Affected: yes.
Comment: Not observed at significant frequency in large population cohorts (gnomAD); In silico analysis supports that this missense variant has a deleterious effect on protein structure/function; Has not been previously published as pathogenic or benign to our knowledge

NM_001367479.1(DNAH14):c.5315T>C (p.Ile1772Thr)

Gene: DNAH14 (dynein axonemal heavy chain 14; plus strand). Cytogenetic location: 1q42.12.
Variant type: single nucleotide variant.
Coding change: c.5315T>C on transcript NM_001367479.1 (MANE Select); coding-DNA position 5315, T replaced by C.
Protein change: p.Ile1772Thr; replaces isoleucine 1772 with threonine.
Molecular consequence: missense variant.
Genome position (GRCh38, 1-based): chr1:225,159,355, T>C. VCF-style: chr1-225159355-T-C. GRCh37 (hg19) VCF-style: chr1-225347057-T-C.
Other names: NM_001373.1:c.5249T>C; short protein forms I1772T.
Identifiers: ClinVar variation 3572801 (VCV003572801.1).